The following is an entry in ClinVar:

NM_006662.3(SRCAP):c.8827C>G (p.Pro2943Ala)

Gene: SRCAP (Snf2 related CREBBP activator protein; plus strand). Cytogenetic location: 16p11.2.
Variant type: single nucleotide variant.
Coding change: c.8827C>G on transcript NM_006662.3 (MANE Select); coding-DNA position 8827, C replaced by G.
Protein change: p.Pro2943Ala; replaces proline 2943 with alanine.
Molecular consequence: missense variant.
Genome position (GRCh38, 1-based): chr16:30,738,867, C>G. VCF-style: chr16-30738867-C-G. GRCh37 (hg19) VCF-style: chr16-30750188-C-G.
Other names: short protein forms P2943A.
Identifiers: ClinVar variation 3322580 (VCV003322580.5).

ClinVar aggregate classification (germline): Uncertain significance. Review status: criteria provided, multiple submitters, no conflicts (2 of 4 stars). 4 submissions from 4 submitters: Uncertain significance (4). Last evaluated 2024-09-05.

Conditions:
Inborn genetic diseases. Identifiers: MedGen C0950123, MeSH D030342.
Floating-Harbor syndrome (FLHS). Also called: SRCAP-Related Floating-Harbor Syndrome; Short stature with delayed bone age, expressive language delay, a triangular face with a prominent nose and deep-set eyes; Pelletier-Leisti syndrome. Identifiers: Orphanet 2044, MedGen C0729582, MONDO:0007621, OMIM 136140.
Developmental delay, hypotonia, musculoskeletal defects, and behavioral abnormalities. Identifiers: MedGen C5562012, MONDO:0859202, OMIM 619595.

Submissions (4):

Women's Health and Genetics/Laboratory Corporation of America, LabCorp
Classification: Uncertain significance. Last evaluated: 2024-09-05. Review status: criteria provided, single submitter. Criteria: LabCorp Variant Classification Summary - May 2015. Collection method: clinical testing. Allele origin: germline.
Comment: Variant summary: SRCAP c.8827C>G (p.Pro2943Ala) results in a non-conservative amino acid change located in the second AT hook, which is a DNA-binding motif (IPR017956) of the encoded protein sequence. Four of four in-silico tools predict a damaging effect of the variant on protein function. The variant was absent in 251318 control chromosomes. The available data on variant occurrences in the general population are insufficient to allow any conclusion about variant significance. To our knowledge, no occurrence of c.8827C>G in individuals affected with Floating-Harbor Syndrome and no experimental evidence demonstrating its impact on protein function have been reported. ClinVar contains an entry for this variant (Variation ID: 3322580). Based on the evidence outlined above, the variant was classified as uncertain significance.

Fulgent Genetics
Classification: Uncertain significance for Floating-Harbor syndrome; Developmental delay, hypotonia, musculoskeletal defects, and behavioral abnormalities. Last evaluated: 2024-04-25. Review status: criteria provided, single submitter. Criteria: ACMG Guidelines, 2015. Collection method: clinical testing. Allele origin: germline.

Ambry Genetics
Classification: Uncertain significance for Inborn genetic diseases. Last evaluated: 2024-04-19. Review status: criteria provided, single submitter. Criteria: Ambry Variant Classification Scheme 2023. Collection method: clinical testing. Allele origin: germline.

Labcorp Genetics (formerly Invitae), Labcorp
Classification: Uncertain significance. Last evaluated: 2024-04-18. Review status: criteria provided, single submitter. Criteria: Invitae Variant Classification Sherloc (09022015). Collection method: clinical testing. Allele origin: germline.
Comment: This sequence change replaces proline, which is neutral and non-polar, with alanine, which is neutral and non-polar, at codon 2943 of the SRCAP protein (p.Pro2943Ala). This variant is not present in population databases (gnomAD no frequency). This variant has not been reported in the literature in individuals affected with SRCAP-related conditions. Advanced modeling of protein sequence and biophysical properties (such as structural, functional, and spatial information, amino acid conservation, physicochemical variation, residue mobility, and thermodynamic stability) has been performed at Invitae for this missense variant, however the output from this modeling did not meet the statistical confidence thresholds required to predict the impact of this variant on SRCAP protein function. In summary, the available evidence is currently insufficient to determine the role of this variant in disease. Therefore, it has been classified as a Variant of Uncertain Significance.